The following is an entry in ClinVar:

ClinVar aggregate classification (germline): Uncertain significance (1 of 4 stars; one submission).

Conditions:
Hereditary cancer-predisposing syndrome. Also called: Neoplastic Syndromes, Hereditary; Tumor predisposition; Hereditary Cancer Syndrome; Hereditary neoplastic syndrome. Identifiers: Orphanet 140162, MedGen C0027672, MeSH D009386, MONDO:0015356.

gnomAD v4.1: 1 of 1,614,062 alleles (0.000062%); highest among the groups gnomAD compares: South Asian, 0.0011%; no homozygotes.

Submission:

Color Diagnostics, LLC DBA Color Health
Classification: Uncertain significance for Hereditary cancer-predisposing syndrome. Last evaluated: 2023-12-05. Review status: criteria provided, single submitter. Criteria: ACMG Guidelines, 2015. Collection method: clinical testing. Allele origin: germline.
Comment: This missense variant replaces proline with leucine at codon 387 of the BAP1 protein. Computational prediction suggests that this variant may not impact protein structure and function (internally defined REVEL score threshold <= 0.5, PMID: 27666373). To our knowledge, functional studies have not been reported for this variant. This variant has not been reported in individuals affected with BAP1-related disorders in the literature. This variant has not been identified in the general population by the Genome Aggregation Database (gnomAD). The available evidence is insufficient to determine the role of this variant in disease conclusively. Therefore, this variant is classified as a Variant of Uncertain Significance.

NM_004656.4(BAP1):c.1160C>T (p.Pro387Leu)

Gene: BAP1 (BRCA1 associated deubiquitinase 1; minus strand). Cytogenetic location: 3p21.1.
Variant type: single nucleotide variant.
Coding change: c.1160C>T on transcript NM_004656.4 (MANE Select); coding-DNA position 1160, C replaced by T.
Protein change: p.Pro387Leu; replaces proline 387 with leucine.
Molecular consequence: missense variant.
Genome position (GRCh38, 1-based): chr3:52,404,543, G>A on the plus strand (C>T on the coding strand, the complement: BAP1 is on the minus strand). VCF-style: chr3-52404543-G-A. GRCh37 (hg19) VCF-style: chr3-52438559-G-A.
Other names: short protein forms P387L.
Identifiers: ClinVar variation 923569 (VCV000923569.4), dbSNP rs1404481415, ClinGen allele CA353103279.